The following is an entry in ClinVar:

NM_004415.4(DSP):c.859A>C (p.Asn287His)

Gene: DSP (desmoplakin; plus strand). Cytogenetic location: 6p24.3.
Variant type: single nucleotide variant.
Coding change: c.859A>C on transcript NM_004415.4 (MANE Select); coding-DNA position 859, A replaced by C.
Protein change: p.Asn287His; replaces asparagine 287 with histidine.
Molecular consequence: missense variant.
Genome position (GRCh38, 1-based): chr6:7,565,440, A>C. VCF-style: chr6-7565440-A-C. GRCh37 (hg19) VCF-style: chr6-7565673-A-C.
Other names: c.859A>C, p.Asn287His (NM_001008844.3, NM_001319034.2); c.859A>C (LRG_423t1); short protein forms N287H.
Identifiers: ClinVar variation 465917 (VCV000465917.9), dbSNP rs1554106503, ClinGen allele CA362674381.

ClinVar aggregate classification (germline): Uncertain significance (1 of 4 stars; one submission).

Conditions:
Arrhythmogenic right ventricular dysplasia 8 (ARVD8). Also called: Arrhythmogenic Right Ventricular Dysplasia/Cardiomyopathy 8; ARRHYTHMOGENIC RIGHT VENTRICULAR DYSPLASIA, FAMILIAL, 8; ARRHYTHMOGENIC RIGHT VENTRICULAR CARDIOMYOPATHY 8. Identifiers: MedGen C1843896, MONDO:0011831, OMIM 607450.
Arrhythmogenic cardiomyopathy with wooly hair and keratoderma. Also called: Dilated cardiomyopathy with woolly hair and keratoderma; Arrhythmogenic cardiomyopathy with woolly hair and keratoderma; PALMOPLANTAR KERATODERMA WITH LEFT VENTRICULAR CARDIOMYOPATHY AND WOOLLY HAIR; Carvajal syndrome. Identifiers: Orphanet 65282, MedGen C1854063, MONDO:0011581, OMIM 605676.

Submission:

Labcorp Genetics (formerly Invitae), Labcorp
Classification: Uncertain significance for Arrhythmogenic cardiomyopathy with wooly hair and keratoderma; Arrhythmogenic right ventricular dysplasia 8. Last evaluated: 2021-07-21. Review status: criteria provided, single submitter. Criteria: Invitae Variant Classification Sherloc (09022015). Collection method: clinical testing. Allele origin: germline.
Comment: This variant is not present in population databases (ExAC no frequency). This sequence change replaces asparagine with histidine at codon 287 of the DSP protein (p.Asn287His). The asparagine residue is highly conserved and there is a small physicochemical difference between asparagine and histidine. This variant has been observed in individual(s) with dilated cardiomyopathy (PMID: 31983221). In summary, the available evidence is currently insufficient to determine the role of this variant in disease. Therefore, it has been classified as a Variant of Uncertain Significance. This variant disrupts the p.Asn287 amino acid residue in DSP. Other variant(s) that disrupt this residue have been determined to be pathogenic (PMID: 11841538, 25225338, 25765472, 27532257). This suggests that this residue is clinically significant, and that variants that disrupt this residue are likely to be disease-causing. Algorithms developed to predict the effect of missense changes on protein structure and function are either unavailable or do not agree on the potential impact of this missense change (SIFT: "Deleterious"; PolyPhen-2: "Probably Damaging"; Align-GVGD: "Class C0"). ClinVar contains an entry for this variant (Variation ID: 465917).

Literature cited by the submitters: PubMed 31983221; PubMed 11841538; PubMed 25225338; PubMed 25765472; PubMed 27532257.